The following is an entry in ClinVar:

NM_002640.4(SERPINB8):c.304C>T (p.Pro102Ser)

Gene: SERPINB8 (serpin family B member 8; plus strand). Cytogenetic location: 18q22.1.
Variant type: single nucleotide variant.
Coding change: c.304C>T on transcript NM_002640.4 (MANE Select); coding-DNA position 304, C replaced by T.
Protein change: p.Pro102Ser; replaces proline 102 with serine.
Molecular consequence: missense variant. On other transcripts: 5 prime UTR variant (2), non-coding transcript variant (1).
Genome position (GRCh38, 1-based): chr18:63,979,936, C>T. VCF-style: chr18-63979936-C-T. GRCh37 (hg19) VCF-style: chr18-61647170-C-T.
Other names: c.304C>T (NM_198833.1); c.304C>T, p.Pro102Ser (NM_001031848.2, NM_001348367.2, NM_001348368.2 and 3 more transcripts); c.-243C>T (NM_001276490.2); c.-94C>T (NM_001348370.2); short protein forms P102S.
Identifiers: ClinVar variation 2061790 (VCV002061790.6), dbSNP rs150067519, ClinGen allele CA8990666.
Genomic context (GRCh38, chr18:63,979,936, plus strand): 5'-ACTCAGTACTTGCTTAGAACTGCCAACAGACTCTTTGGAGAAAAGACGTGTGATTTCCTT[C>T]CAGTAAGTAGTATTCACATATTGATGACAAAGAAATTGAAAGTAAGTTAGACTACAGAAG-3'
Protein context (NP_002631.3, residues 92-112): LFGEKTCDFL[Pro102Ser]DFKEYCQKFY

ClinVar aggregate classification (germline): Likely benign. Review status: criteria provided, single submitter (1 of 4 stars). 2 submissions from 2 submitters: Likely benign (1). 1 of the submissions does not count toward it. Last evaluated 2025-07-23.

Conditions:
SERPINB8-related disorder. Also called: SERPINB8-related condition.

Allele frequency attached by ClinVar (database versions not stated): TOPMed 0.00097; gnomAD 0.00109; ExAC 0.00146; ESP Exome Variant Server 0.00146; gnomAD exomes 0.00184.

Submissions (5):

Labcorp Genetics (formerly Invitae), Labcorp
Classification: Likely benign. Last evaluated: 2025-07-23. Review status: criteria provided, single submitter. Criteria: Invitae Variant Classification Sherloc (09022015). Collection method: clinical testing. Allele origin: germline.

PreventionGenetics, part of Exact Sciences
Classification: Likely benign for SERPINB8-related condition. Last evaluated: 2024-04-13. Review status: no assertion criteria provided. Collection method: clinical testing. Allele origin: germline. Not counted in ClinVar's aggregate classification.
Comment: This variant is classified as likely benign based on ACMG/AMP sequence variant interpretation guidelines (Richards et al. 2015 PMID: 25741868, with internal and published modifications).

Dr. Peter K. Rogan Lab, Western University
No classification provided (evidence only). Condition: Lung cancer. Review status: no classification provided. Collection method: in vitro. Allele origin: not applicable. Functional consequence: retained intron. Not counted in ClinVar's aggregate classification.

Dr. Peter K. Rogan Lab, Western University
No classification provided (evidence only). Condition: Melanoma. Review status: no classification provided. Collection method: in vitro. Allele origin: not applicable. Functional consequence: retained intron. Not counted in ClinVar's aggregate classification.

Dr. Peter K. Rogan Lab, Western University
No classification provided (evidence only). Condition: Familial cancer of breast. Review status: no classification provided. Collection method: in vitro. Allele origin: not applicable. Functional consequence: retained intron. Not counted in ClinVar's aggregate classification.